The following is an entry in ClinVar:

NM_006648.4(WNK2):c.3173T>C (p.Leu1058Pro)

Gene: WNK2 (WNK lysine deficient protein kinase 2; plus strand). Cytogenetic location: 9q22.31.
Variant type: single nucleotide variant.
Coding change: c.3173T>C on transcript NM_006648.4 (MANE Select); coding-DNA position 3173, T replaced by C.
Protein change: p.Leu1058Pro; replaces leucine 1058 with proline.
Molecular consequence: missense variant.
Genome position (GRCh38, 1-based): chr9:93,261,920, T>C. VCF-style: chr9-93261920-T-C. GRCh37 (hg19) VCF-style: chr9-96024202-T-C.
Other names: c.3173T>C, p.Leu1058Pro (NM_001282394.3); short protein forms L1058P.
Identifiers: ClinVar variation 3816561 (VCV003816561.1).
Genomic context (GRCh38, chr9:93,261,920, plus strand): 5'-AGGTCCCCACCGTGCCTGTGCCACCGGCTGCGGTCCTCTCGCCGCCTCTGCCGGAAGTGC[T>C]GCTGCCTGCCGCCCCTGAGCTCCTGCCTCAGTTCCCCAGCTCCCTGGCCACGGTGTCTGC-3'
Protein context (NP_006639.3, residues 1048-1068): AVLSPPLPEV[Leu1058Pro]LPAAPELLPQ

ClinVar aggregate classification (germline): Uncertain significance (1 of 4 stars; one submission).

gnomAD v4.1: 3 of 1,608,582 alleles (0.00019%); highest among the groups gnomAD compares: Non-Finnish European, 0.00025%; no homozygotes.

Submission:

Ambry Genetics
Classification: Uncertain significance. Last evaluated: 2024-12-20. Review status: criteria provided, single submitter. Criteria: Ambry Variant Classification Scheme 2023. Collection method: clinical testing. Allele origin: germline.
Comment: The p.L1058P variant (also known as c.3173T>C), located in coding exon 12 of the WNK2 gene, results from a T to C substitution at nucleotide position 3173. The leucine at codon 1058 is replaced by proline, an amino acid with similar properties. This amino acid position is conserved. In addition, the in silico prediction for this alteration is inconclusive. Based on the available evidence, the clinical significance of this variant remains unclear.